The following is an entry in ClinVar:

ClinVar aggregate classification (germline): Uncertain significance. Review status: criteria provided, multiple submitters, no conflicts (2 of 4 stars). 3 submissions from 3 submitters: Uncertain significance (3). Last evaluated 2024-06-28.

Conditions:
Hereditary cancer-predisposing syndrome. Also called: Hereditary neoplastic syndrome; Neoplastic Syndromes, Hereditary; Tumor predisposition; Hereditary Cancer Syndrome. Identifiers: Orphanet 140162, MedGen C0027672, MeSH D009386, MONDO:0015356.
Breast-ovarian cancer, familial, susceptibility to, 4. Identifiers: Orphanet 145, MedGen C3280345, MONDO:0013669, OMIM 614291.

Allele frequency attached by ClinVar (database versions not stated): gnomAD exomes below 0.00001.
gnomAD v4.1: 1 of 1,614,196 alleles (0.000062%); highest among the groups gnomAD compares: South Asian, 0.0011%; no homozygotes.

Submissions (3):

Ambry Genetics
Classification: Uncertain significance for Hereditary cancer-predisposing syndrome. Last evaluated: 2024-06-28. Review status: criteria provided, single submitter. Criteria: Ambry Variant Classification Scheme 2023. Collection method: clinical testing. Allele origin: germline.
Comment: The p.V208A variant (also known as c.623T>C), located in coding exon 7 of the RAD51D gene, results from a T to C substitution at nucleotide position 623. The valine at codon 208 is replaced by alanine, an amino acid with similar properties. This amino acid position is highly conserved in available vertebrate species. In addition, this alteration is predicted to be deleterious by in silico analysis. Based on the available evidence, the clinical significance of this variant remains unclear.

Labcorp Genetics (formerly Invitae), Labcorp
Classification: Uncertain significance for Breast-ovarian cancer, familial, susceptibility to, 4. Last evaluated: 2020-01-31. Review status: criteria provided, single submitter. Criteria: Invitae Variant Classification Sherloc (09022015). Collection method: clinical testing. Allele origin: germline.
Comment: In summary, the available evidence is currently insufficient to determine the role of this variant in disease. Therefore, it has been classified as a Variant of Uncertain Significance. Algorithms developed to predict the effect of missense changes on protein structure and function do not agree on the potential impact of this missense change (SIFT: "Tolerated"; PolyPhen-2: "Probably Damaging"; Align-GVGD: "Class C0"). This variant has not been reported in the literature in individuals with RAD51D-related disease. ClinVar contains an entry for this variant (Variation ID: 422273). This variant is not present in population databases (ExAC no frequency). This sequence change replaces valine with alanine at codon 208 of the RAD51D protein (p.Val208Ala). The valine residue is highly conserved and there is a small physicochemical difference between valine and alanine.

GeneDx
Classification: Uncertain significance. Last evaluated: 2016-09-18. Review status: criteria provided, single submitter. Criteria: GeneDx Variant Classification (06012015). Collection method: clinical testing. Allele origin: germline. Affected: yes.
Comment: This variant is denoted RAD51D c.623T>C at the cDNA level, p.Val208Ala (V208A) at the protein level, and results in the change of a Valine to an Alanine (GTC>GCC). This variant has not, to our knowledge, been published in the literature as pathogenic or benign. RAD51D Val208Ala was not observed in approximately 6,500 individuals of European and African American ancestry in the NHLBI Exome Sequencing Project, suggesting it is not a common benign variant in these populations. Since Valine and Alanine share similar properties, this is considered a conservative amino acid substitution. RAD51D Val208Ala occurs at a position that is conserved across species and is located in the ATPase domain (Kim 2011). In silico analyses predict that this variant is probably damaging to protein structure and function. Based on currently available evidence, it is unclear whether RAD51D Val208Ala is a pathogenic or benign variant. We consider it to be a variant of uncertain significance.

NM_002878.4(RAD51D):c.623T>C (p.Val208Ala)

Genes: RAD51L3-RFFL (RAD51L3-RFFL readthrough; minus strand), RAD51D (RAD51 paralog D; minus strand). Cytogenetic location: 17q12.
Variant type: single nucleotide variant.
Coding change: c.623T>C on transcript NM_002878.4 (MANE Select); coding-DNA position 623, T replaced by C.
Protein change: p.Val208Ala; replaces valine 208 with alanine.
Molecular consequence: missense variant. On other transcripts: non-coding transcript variant (3).
Genome position (GRCh38, 1-based): chr17:35,103,498, A>G on the plus strand (T>C on the coding strand, the complement: RAD51D is on the minus strand). VCF-style: chr17-35103498-A-G. GRCh37 (hg19) VCF-style: chr17-33430517-A-G.
Other names: c.683T>C, p.Val228Ala (NM_001142571.2); c.287T>C, p.Val96Ala (NM_133629.3); short protein forms V208A, V228A, V96A.
Identifiers: ClinVar variation 422273 (VCV000422273.12), dbSNP rs1064795673, ClinGen allele CA16620384.
Genomic context (GRCh38, chr17:35,103,498, plus strand): 5'-CTGCCACATCACTCACCTTCCCTCTGCTGACCTCCCAGAAGTGGGGAAACCACCGCAGTG[A>G]CCGAGTCCACAACCACCACCTTCACAGTTCCTGAAGAACCAGTCACCTGAAGGAATGTGG-3'
Protein context (NP_002869.3, residues 198-218): GTVKVVVVDS[Val208Ala]TAVVSPLLGG